The following is an entry in ClinVar:

ClinVar aggregate classification (germline): Conflicting classifications of pathogenicity. Review status: criteria provided, conflicting classifications (1 of 4 stars). 5 submissions from 5 submitters: Uncertain significance (1); Likely benign (4). Last evaluated 2026-01-09.

Conditions:
Inborn genetic diseases. Identifiers: MedGen C0950123, MeSH D030342.
Developmental and epileptic encephalopathy, 18 (DEE18). Also called: Early infantile epileptic encephalopathy 18. Identifiers: Orphanet 369894, MedGen C3809624, MONDO:0014201, OMIM 615476.

Allele frequency attached by ClinVar (database versions not stated): ExAC 0.00004; gnomAD 0.00004 and 0.00005; TOPMed 0.00005; gnomAD exomes 0.00008.
gnomAD v4.1: 108 of 1,598,234 alleles (0.0068%); highest among the groups gnomAD compares: Middle Eastern, 0.016%; no homozygotes.

Submissions (5):

Labcorp Genetics (formerly Invitae), Labcorp
Classification: Likely benign. Last evaluated: 2026-01-09. Review status: criteria provided, single submitter. Criteria: Invitae Variant Classification Sherloc (09022015). Collection method: clinical testing. Allele origin: germline.

CeGaT Center for Human Genetics Tuebingen
Classification: Likely benign. Last evaluated: 2026-01-01. Review status: criteria provided, single submitter. Criteria: CeGaT Center For Human Genetics Tuebingen Variant Classification Criteria Version 2. Collection method: clinical testing. Allele origin: germline. Affected: yes. Observed: 2 variant alleles.
Comment: SZT2: BP4, BP7

ARUP Laboratories, Molecular Genetics and Genomics, ARUP Laboratories
Classification: Likely benign for Developmental and epileptic encephalopathy, 18. Last evaluated: 2023-09-12. Review status: criteria provided, single submitter. Criteria: ARUP Molecular Germline Variant Investigation Process 2024. Collection method: clinical testing. Allele origin: germline.

Ambry Genetics
Classification: Likely benign for Inborn genetic diseases. Last evaluated: 2016-06-07. Review status: criteria provided, single submitter. Criteria: Ambry Variant Classification Scheme 2023. Collection method: clinical testing. Allele origin: germline.

Genetic Services Laboratory, University of Chicago
Classification: Uncertain significance. Last evaluated: 2015-01-30. Review status: criteria provided, single submitter. Criteria: ACMG Guidelines, 2015. Collection method: clinical testing. Allele origin: germline.

NM_001365999.1(SZT2):c.1272A>G (p.Gln424=)

Gene: SZT2 (SZT2 subunit of KICSTOR complex; plus strand). Cytogenetic location: 1p34.2.
Variant type: single nucleotide variant.
Coding change: c.1272A>G on transcript NM_001365999.1 (MANE Select); coding-DNA position 1272, A replaced by G.
Protein change: p.Gln424=; no amino-acid change (glutamine 424 retained).
Molecular consequence: synonymous variant.
Genome position (GRCh38, 1-based): chr1:43,420,759, A>G. VCF-style: chr1-43420759-A-G. GRCh37 (hg19) VCF-style: chr1-43886430-A-G.
Other names: c.1272A>G, p.Gln424= (NM_015284.4).
Identifiers: ClinVar variation 212362 (VCV000212362.44), dbSNP rs780157180, ClinGen allele CA208379.